The following is an entry in ClinVar:

NM_000226.4(KRT9):c.38G>A (p.Arg13His)

Gene: KRT9 (keratin 9; minus strand). Cytogenetic location: 17q21.2.
Variant type: single nucleotide variant.
Coding change: c.38G>A on transcript NM_000226.4 (MANE Select); coding-DNA position 38, G replaced by A.
Protein change: p.Arg13His; replaces arginine 13 with histidine.
Molecular consequence: missense variant.
Genome position (GRCh38, 1-based): chr17:41,571,955, C>T on the plus strand (G>A on the coding strand, the complement: KRT9 is on the minus strand). VCF-style: chr17-41571955-C-T. GRCh37 (hg19) VCF-style: chr17-39728207-C-T.
Other names: c.38G>A (NM_000226.3); short protein forms R13H.
Identifiers: ClinVar variation 1507802 (VCV001507802.7), dbSNP rs749091007, ClinGen allele CA8562349.

ClinVar aggregate classification (germline): Uncertain significance. Review status: criteria provided, multiple submitters, no conflicts (2 of 4 stars). 2 submissions from 2 submitters: Uncertain significance (2). Last evaluated 2025-06-20.

Conditions:
Inborn genetic diseases. Identifiers: MedGen C0950123, MeSH D030342.

Allele frequency attached by ClinVar (database versions not stated): TOPMed 0.00006.

Submissions (2):

Labcorp Genetics (formerly Invitae), Labcorp
Classification: Uncertain significance. Last evaluated: 2025-06-20. Review status: criteria provided, single submitter. Criteria: Invitae Variant Classification Sherloc (09022015). Collection method: clinical testing. Allele origin: germline.
Comment: This sequence change replaces arginine, which is basic and polar, with histidine, which is basic and polar, at codon 13 of the KRT9 protein (p.Arg13His). The frequency data for this variant in the population databases is considered unreliable, as metrics indicate poor data quality at this position in the gnomAD database. This variant has not been reported in the literature in individuals affected with KRT9-related conditions. ClinVar contains an entry for this variant (Variation ID: 1507802). Invitae Evidence Modeling of protein sequence and biophysical properties (such as structural, functional, and spatial information, amino acid conservation, physicochemical variation, residue mobility, and thermodynamic stability) indicates that this missense variant is not expected to disrupt KRT9 protein function with a negative predictive value of 95%. In summary, the available evidence is currently insufficient to determine the role of this variant in disease. Therefore, it has been classified as a Variant of Uncertain Significance.

Ambry Genetics
Classification: Uncertain significance for Inborn genetic diseases. Last evaluated: 2025-02-01. Review status: criteria provided, single submitter. Criteria: Ambry Variant Classification Scheme 2023. Collection method: clinical testing. Allele origin: germline.